The following is an entry in ClinVar:

ClinVar aggregate classification (germline): Conflicting classifications of pathogenicity. Review status: criteria provided, conflicting classifications (1 of 4 stars). 3 submissions from 3 submitters: Uncertain significance (1); Benign (1); Likely benign (1). Last evaluated 2026-01-19.

Conditions:
Junctional epidermolysis bullosa with pyloric atresia. Also called: APLASIA CUTIS CONGENITA WITH GASTROINTESTINAL ATRESIA; Epidermolysis bullosa, junctional, with pyloric atresia and aplasia cutis congenita; Epidermolysis bullosa junctionalis with pyloric atresia; EPIDERMOLYSIS BULLOSA, JUNCTIONAL 5B, WITH PYLORIC ATRESIA; ITGB4-Related Epidermolysis Bullosa with Pyloric Atresia; Junctional Epidermolysis Bullosa- Pyloric Atresia Syndrome. Identifiers: Orphanet 79403, MedGen C5676875, MONDO:0009183, OMIM 226730.

Allele frequency attached by ClinVar (database versions not stated): gnomAD exomes 0.00071 and 0.00114; gnomAD 0.00081 and 0.00084; ExAC 0.00086; ESP Exome Variant Server 0.00092; 1000 Genomes Project 0.00100; TOPMed 0.00104; 1000 Genomes Project 30x 0.00125.

Submissions (3):

Labcorp Genetics (formerly Invitae), Labcorp
Classification: Benign. Last evaluated: 2026-01-19. Review status: criteria provided, single submitter. Criteria: Invitae Variant Classification Sherloc (09022015). Collection method: clinical testing. Allele origin: germline.

CeGaT Center for Human Genetics Tuebingen
Classification: Likely benign. Last evaluated: 2024-09-01. Review status: criteria provided, single submitter. Criteria: CeGaT Center For Human Genetics Tuebingen Variant Classification Criteria Version 2. Collection method: clinical testing. Allele origin: germline. Affected: yes. Observed: 3 variant alleles.
Comment: ITGB4: BP4, BP7

Illumina Laboratory Services, Illumina
Classification: Uncertain significance for Junctional epidermolysis bullosa with pyloric atresia. Last evaluated: 2017-04-27. Review status: criteria provided, single submitter. Criteria: ICSL Variant Classification Criteria 13 December 2019. Collection method: clinical testing. Allele origin: germline.

NM_000213.5(ITGB4):c.1428C>T (p.Cys476=)

Gene: ITGB4 (integrin subunit beta 4; plus strand). Cytogenetic location: 17q25.1.
Variant type: single nucleotide variant.
Coding change: c.1428C>T on transcript NM_000213.5 (MANE Select); coding-DNA position 1428, C replaced by T.
Protein change: p.Cys476=; no amino-acid change (cysteine 476 retained).
Molecular consequence: synonymous variant.
Genome position (GRCh38, 1-based): chr17:75,732,213, C>T. VCF-style: chr17-75732213-C-T. GRCh37 (hg19) VCF-style: chr17-73728294-C-T.
Other names: c.1428C>T, p.Cys476= (NM_001005619.2, NM_001005731.3, NM_001321123.2).
Identifiers: ClinVar variation 888756 (VCV000888756.35), dbSNP rs149030156, ClinGen allele CA8769017.
Genomic context (GRCh38, chr17:75,732,213, plus strand): 5'-CTCATTCCAGCAAAAAGAGGTGCGGTCAGCTCGCTGCAGCTTCAACGGAGACTTCGTGTG[C>T]GGACAGTGTGTGTGCAGCGAGGGCTGGTGAGTGGGGAAGGGAGTTGGGCACCCAGGACAC-3'
Protein context (NP_000204.3, residues 466-486): ARCSFNGDFV[Cys476=]GQCVCSEGWS